The following is an entry in ClinVar:

NM_080425.4(GNAS):c.932T>C (p.Ile311Thr)

Gene: GNAS (GNAS complex locus; plus strand). Cytogenetic location: 20q13.32.
Variant type: single nucleotide variant.
Coding change: c.932T>C on transcript NM_080425.4 (MANE Plus Clinical); coding-DNA position 932, T replaced by C.
Protein change: p.Ile311Thr; replaces isoleucine 311 with threonine.
Molecular consequence: missense variant. On other transcripts: synonymous variant (2), intron variant (3).
Genome position (GRCh38, 1-based): chr20:58,854,197, T>C. VCF-style: chr20-58854197-T-C. GRCh37 (hg19) VCF-style: chr20-57429252-T-C.
Other names: c.745T>C, p.Leu249= (NM_001077490.3, NM_001309883.1); c.932T>C, p.Ile311Thr (NM_001410913.1); c.*42+13311T>C (NM_016592.5); c.43+13311T>C (NM_001410912.1); c.-39+12322T>C (NM_001309861.2); short protein forms I311T.
Identifiers: ClinVar variation 3600434 (VCV003600434.1).
Genomic context (GRCh38, chr20:58,854,197, plus strand): 5'-CTCCTTCTAACTTCACGGGCAGCAGCCCCTGGATGGAGATCTCCGGACCCCCGTTCGAGA[T>C]TGGCAGCGCCCCCGCTGGGGTCGACGACACTCCCGTCAACATGGACAGCCCCCCAATCGC-3'
Protein context (NP_536350.2, residues 301-321): WMEISGPPFE[Ile311Thr]GSAPAGVDDT

ClinVar aggregate classification (germline): Uncertain significance (1 of 4 stars; one submission).

Conditions:
Pseudopseudohypoparathyroidism (PPHP). Also called: ALBRIGHT HEREDITARY OSTEODYSTROPHY WITHOUT MULTIPLE HORMONE RESISTANCE; Pseudopseudohypoparathyroidism (PPHP). Identifiers: Orphanet 79445, MedGen C0033835, MONDO:0012912, OMIM 612463.

gnomAD v4.1: 4 of 1,613,066 alleles (0.00025%); highest among the groups gnomAD compares: African/African-American, 0.0053%; no homozygotes.

Submission:

Clinical Genomics Laboratory, Washington University in St. Louis
Classification: Uncertain significance for Pseudopseudohypoparathyroidism. Last evaluated: 2024-10-31. Review status: criteria provided, single submitter. Criteria: ACMG Guidelines, 2015. Collection method: clinical testing. Allele origin: germline.
Comment: A GNAS c.932T>C (p.Ile311Thr) was identified at a near heterozygous allelic fraction of 49.3%, a frequency which may be consistent with germline origin. This variant, to our knowledge, has not been reported in the medical literature. It is only observed on 4/1,613,066 alleles in the general population (gnomAD v.4.1.0), indicating it is not a common variant. Computational predictors are uncertain as to the impact of this variant on GNAS function. Due to limited information, and based on ACMG/AMP guidelines for variant interpretation (Richards S et al., PMID: 25741868), the clinical significance of this variant is uncertain at this time.